The following is an entry in ClinVar:

NM_138295.5(PKD1L1):c.5471A>G (p.Asn1824Ser)

Gene: PKD1L1 (polycystin 1 like 1, transient receptor potential channel interacting; minus strand). Cytogenetic location: 7p12.3.
Variant type: single nucleotide variant.
Coding change: c.5471A>G on transcript NM_138295.5 (MANE Select); coding-DNA position 5471, A replaced by G.
Protein change: p.Asn1824Ser; replaces asparagine 1824 with serine.
Molecular consequence: missense variant.
Genome position (GRCh38, 1-based): chr7:47,840,542, T>C on the plus strand (A>G on the coding strand, the complement: PKD1L1 is on the minus strand). VCF-style: chr7-47840542-T-C. GRCh37 (hg19) VCF-style: chr7-47880140-T-C.
Other names: short protein forms N1824S.
Identifiers: ClinVar variation 2482768 (VCV002482768.3), dbSNP rs145025057, ClinGen allele CA4252821.

ClinVar aggregate classification (germline): Uncertain significance. Review status: criteria provided, multiple submitters, no conflicts (2 of 4 stars). 2 submissions from 2 submitters: Uncertain significance (2). Last evaluated 2025-02-21.

Conditions:
Inborn genetic diseases. Identifiers: MedGen C0950123, MeSH D030342.
PKD1L1-related disorder. Also called: PKD1L1-related condition.

Allele frequency attached by ClinVar (database versions not stated): gnomAD exomes 0.00001; ExAC 0.00002; ESP Exome Variant Server 0.00008.
gnomAD v4.1: 5 of 1,614,086 alleles (0.00031%); highest among the groups gnomAD compares: South Asian, 0.0033%; no homozygotes.

Submissions (2):

PreventionGenetics, part of Exact Sciences
Classification: Uncertain significance for PKD1L1-related condition. Last evaluated: 2025-02-21. Review status: criteria provided, single submitter. Criteria: ACMG Guidelines, 2015. Collection method: clinical testing. Allele origin: germline.
Comment: The PKD1L1 c.5471A>G variant is predicted to result in the amino acid substitution p.Asn1824Ser. To our knowledge, this variant has not been reported in the literature. This variant is reported in 0.0062% of alleles in individuals of African descent in gnomAD. At this time, the clinical significance of this variant is uncertain due to the absence of conclusive functional and genetic evidence.

Ambry Genetics
Classification: Uncertain significance for Inborn genetic diseases. Last evaluated: 2023-02-10. Review status: criteria provided, single submitter. Criteria: Ambry Variant Classification Scheme 2023. Collection method: clinical testing. Allele origin: germline.